The following is an entry in ClinVar:

ClinVar aggregate classification (germline): Pathogenic (1 of 4 stars; one submission).

Submission:

Labcorp Genetics (formerly Invitae), Labcorp
Classification: Pathogenic. Last evaluated: 2017-11-29. Review status: criteria provided, single submitter. Criteria: Invitae Variant Classification Sherloc (09022015). Collection method: clinical testing. Allele origin: germline.
Comment: This variant has not been reported in the literature in individuals with LARP7-related disease. This variant is not present in population databases (ExAC no frequency). This sequence change creates a premature translational stop signal (p.Trp533*) in the LARP7 gene. It is expected to result in an absent or disrupted protein product. Loss-of-function variants in LARP7 are known to be pathogenic (PMID: 22865833, 26374271, 26607181). For these reasons, this variant has been classified as Pathogenic.

Literature cited by the submitters: PubMed 22865833; PubMed 26374271; PubMed 26607181.

NM_016648.4(LARP7):c.1599G>A (p.Trp533Ter)

Gene: LARP7 (La ribonucleoprotein 7, transcriptional regulator; plus strand). Cytogenetic location: 4q25.
Variant type: single nucleotide variant.
Coding change: c.1599G>A on transcript NM_016648.4 (MANE Select); coding-DNA position 1599, G replaced by A.
Protein change: p.Trp533Ter; replaces tryptophan 533 with a stop codon.
Molecular consequence: nonsense.
Genome position (GRCh38, 1-based): chr4:112,654,090, G>A. VCF-style: chr4-112654090-G-A. GRCh37 (hg19) VCF-style: chr4-113575246-G-A.
Other names: c.1599G>A, p.Trp533Ter (NM_001267039.4, NM_001370978.1, NM_015454.3); c.1638G>A, p.Trp546Ter (NM_001370974.1, NM_001370975.1); c.1635G>A, p.Trp545Ter (NM_001370976.1, NM_001370977.1); c.1596G>A, p.Trp532Ter (NM_001370979.1, NM_001370980.1); c.1362G>A, p.Trp454Ter (NM_001370981.1, NM_001370982.1); short protein forms W454*, W532*, W533*, W545*, W546*.
Identifiers: ClinVar variation 1070296 (VCV001070296.5), dbSNP rs2149286477, ClinGen allele CA357932330.